The following is an entry in ClinVar:

ClinVar aggregate classification (germline): Uncertain significance. Review status: criteria provided, multiple submitters, no conflicts (2 of 4 stars). 4 submissions from 4 submitters: Uncertain significance (4). Last evaluated 2025-12-08.

Conditions:
Cardiovascular phenotype. Identifiers: MedGen CN230736.
Long QT syndrome 10 (LQT10). Identifiers: Orphanet 101016, Orphanet 768, MedGen C2678484, MONDO:0012737, OMIM 611819.

Allele frequency attached by ClinVar (database versions not stated): gnomAD 0.00001; gnomAD exomes 0.00001 and 0.00002; TOPMed 0.00001; ExAC 0.00003; ESP Exome Variant Server 0.00008.
gnomAD v4.1: 18 of 1,613,942 alleles (0.0011%); highest among the groups gnomAD compares: Admixed American, 0.0017%; no homozygotes.

Submissions (4):

Labcorp Genetics (formerly Invitae), Labcorp
Classification: Uncertain significance for Long QT syndrome 10. Last evaluated: 2025-12-08. Review status: criteria provided, single submitter. Criteria: Invitae Variant Classification Sherloc (09022015). Collection method: clinical testing. Allele origin: germline.
Comment: This sequence change replaces glycine, which is neutral and non-polar, with cysteine, which is neutral and slightly polar, at codon 217 of the SCN4B protein (p.Gly217Cys). This variant is present in population databases (rs371609756, gnomAD 0.003%). This variant has not been reported in the literature in individuals affected with SCN4B-related conditions. ClinVar contains an entry for this variant (Variation ID: 1176917). An algorithm developed to predict the effect of missense changes on protein structure and function (PolyPhen-2) suggests that this variant is likely to be disruptive. In summary, the available evidence is currently insufficient to determine the role of this variant in disease. Therefore, it has been classified as a Variant of Uncertain Significance.

Ambry Genetics
Classification: Uncertain significance for Cardiovascular phenotype. Last evaluated: 2022-06-19. Review status: criteria provided, single submitter. Criteria: Ambry Variant Classification Scheme 2023. Collection method: clinical testing. Allele origin: germline.
Comment: The p.G217C variant (also known as c.649G>T), located in coding exon 5 of the SCN4B gene, results from a G to T substitution at nucleotide position 649. The glycine at codon 217 is replaced by cysteine, an amino acid with highly dissimilar properties. This amino acid position is conserved. In addition, this alteration is predicted to be deleterious by in silico analysis. Since supporting evidence is limited at this time, the clinical significance of this alteration remains unclear.

Fulgent Genetics
Classification: Uncertain significance for Long QT syndrome 10. Last evaluated: 2021-10-26. Review status: criteria provided, single submitter. Criteria: ACMG Guidelines, 2015. Collection method: clinical testing. Allele origin: unknown.

CeGaT Center for Human Genetics Tuebingen
Classification: Uncertain significance. Last evaluated: 2021-03-01. Review status: criteria provided, single submitter. Criteria: CeGaT Center For Human Genetics Tuebingen Variant Classification Criteria Version 2. Collection method: clinical testing. Allele origin: germline. Affected: yes. Observed: 1 variant allele.

NM_174934.4(SCN4B):c.649G>T (p.Gly217Cys)

Gene: SCN4B (sodium voltage-gated channel beta subunit 4; minus strand). Cytogenetic location: 11q23.3.
Variant type: single nucleotide variant.
Coding change: c.649G>T on transcript NM_174934.4 (MANE Select); coding-DNA position 649, G replaced by T.
Protein change: p.Gly217Cys; replaces glycine 217 with cysteine.
Molecular consequence: missense variant. On other transcripts: non-coding transcript variant (1).
Genome position (GRCh38, 1-based): chr11:118,137,065, C>A on the plus strand (G>T on the coding strand, the complement: SCN4B is on the minus strand). VCF-style: chr11-118137065-C-A. GRCh37 (hg19) VCF-style: chr11-118007780-C-A.
Other names: c.247G>T, p.Gly83Cys (NM_001142348.2); c.319G>T, p.Gly107Cys (NM_001142349.2); short protein forms G107C, G217C, G83C.
Identifiers: ClinVar variation 1176917 (VCV001176917.41), dbSNP rs371609756, ClinGen allele CA6300122.